The following is an entry in ClinVar:

ClinVar aggregate classification (germline): Conflicting classifications of pathogenicity. Review status: criteria provided, conflicting classifications (1 of 4 stars). 3 submissions from 3 submitters: Uncertain significance (2); Likely benign (1). Last evaluated 2024-09-23.

Conditions:
Hereditary cancer-predisposing syndrome. Also called: Hereditary neoplastic syndrome; Neoplastic Syndromes, Hereditary; Tumor predisposition; Hereditary Cancer Syndrome. Identifiers: Orphanet 140162, MedGen C0027672, MeSH D009386, MONDO:0015356.
BRCA2-related cancer predisposition. Identifiers: MedGen CN377758, MONDO:0700269.
Hereditary breast ovarian cancer syndrome. Also called: Hereditary breast and/or ovarian cancer syndrome; Hereditary breast and ovarian cancer syndrome; Hereditary breast and ovarian cancer syndrome (HBOC); Breast and ovarian cancer; BRCA1- and BRCA2-Associated Hereditary Breast and Ovarian Cancer; Hereditary breast and ovarian cancer. Identifiers: Orphanet 145, MedGen C0677776, MeSH D061325, MONDO:0003582. Disease mechanism: loss of function.

Submissions (3):

All of Us Research Program, National Institutes of Health
Classification: Uncertain significance for BRCA2-related cancer predisposition. Last evaluated: 2024-09-23. Review status: criteria provided, single submitter. Criteria: ACMG Guidelines, 2015. Collection method: clinical testing. Allele origin: germline. Inheritance: Autosomal dominant inheritance. Observed: 1 variant allele, 1 heterozygote.
Comment: This study involves interpretation of variants in research participants for the purpose of population health screening. Participant phenotype was not available at the time of variant classification. Additional details can be found in publication PMID: 35346344, PMCID: PMC8962531

University of Washington Department of Laboratory Medicine, University of Washington
Classification: Likely benign for Hereditary cancer-predisposing syndrome. Last evaluated: 2023-03-23. Review status: criteria provided, single submitter. Criteria: Dines et al. (Genet Med. 2020). Collection method: curation. Allele origin: germline.
Comment: Missense variant in a coldspot region where missense variants are very unlikely to be pathogenic (PMID:31911673).

BRCA2 exon 11 coldspot. Reclassification based on statistical prior probability.

Labcorp Genetics (formerly Invitae), Labcorp
Classification: Uncertain significance for Hereditary breast ovarian cancer syndrome. Last evaluated: 2020-10-20. Review status: criteria provided, single submitter. Criteria: Invitae Variant Classification Sherloc (09022015). Collection method: clinical testing. Allele origin: germline.
Comment: This sequence change replaces glutamine with leucine at codon 2024 of the BRCA2 protein (p.Gln2024Leu). The glutamine residue is weakly conserved and there is a moderate physicochemical difference between glutamine and leucine. This variant is not present in population databases (ExAC no frequency). This variant has not been reported in the literature in individuals with BRCA2-related conditions. Advanced modeling of protein sequence and biophysical properties (such as structural, functional, and spatial information, amino acid conservation, physicochemical variation, residue mobility, and thermodynamic stability) performed at Invitae indicates that this missense variant is not expected to disrupt BRCA2 protein function. In summary, the available evidence is currently insufficient to determine the role of this variant in disease. Therefore, it has been classified as a Variant of Uncertain Significance.

NM_000059.4(BRCA2):c.6071A>T (p.Gln2024Leu)

Gene: BRCA2 (BRCA2 DNA repair associated; plus strand). Cytogenetic location: 13q13.1.
Variant type: single nucleotide variant.
Coding change: c.6071A>T on transcript NM_000059.4 (MANE Select); coding-DNA position 6071, A replaced by T.
Protein change: p.Gln2024Leu; replaces glutamine 2024 with leucine.
Molecular consequence: missense variant.
Genome position (GRCh38, 1-based): chr13:32,340,426, A>T. VCF-style: chr13-32340426-A-T. GRCh37 (hg19) VCF-style: chr13-32914563-A-T.
Other names: short protein forms Q2024L.
Identifiers: ClinVar variation 1005825 (VCV001005825.11), dbSNP rs80358845, ClinGen allele CA387787972.